The following is an entry in ClinVar:

ClinVar aggregate classification (germline): Likely pathogenic (1 of 4 stars; one submission).

Conditions:
Autosomal recessive polycystic kidney disease (ARPKD). Also called: AR polycystic kidney disease. Identifiers: Orphanet 731, Orphanet 8378, MedGen C0085548, MeSH D017044, MONDO:0009889.

Submission:

Natera, Inc.
Classification: Likely pathogenic for Autosomal recessive polycystic kidney disease. Last evaluated: 2025-10-10. Review status: criteria provided, single submitter. Criteria: Natera Variant Classification Schema (03/2026). Collection method: clinical testing. Allele origin: germline.
Comment: The c.8207G>A variant in PKHD1 is a nonsense variant predicted to introduce a stop codon at amino acid 2736. This variant is expected to result in nonsense mediated decay, truncation, or a dysfunctional protein product. This variant is rare in the general population with a frequency below the threshold expected for the associated phenotype(s). Given the available evidence, this variant is classified as Likely Pathogenic.

NM_138694.4(PKHD1):c.8207G>A (p.Trp2736Ter)

Gene: PKHD1 (PKHD1 ciliary IPT domain containing fibrocystin/polyductin; minus strand). Cytogenetic location: 6p12.2.
Variant type: single nucleotide variant.
Coding change: c.8207G>A on transcript NM_138694.4 (MANE Select); coding-DNA position 8207, G replaced by A.
Protein change: p.Trp2736Ter; replaces tryptophan 2736 with a stop codon.
Molecular consequence: nonsense.
Genome position (GRCh38, 1-based): chr6:51,830,956, C>T on the plus strand (G>A on the coding strand, the complement: PKHD1 is on the minus strand). VCF-style: chr6-51830956-C-T. GRCh37 (hg19) VCF-style: chr6-51695754-C-T.
Other names: c.8207G>A, p.Trp2736Ter (NM_170724.3); short protein forms W2736*.
Identifiers: ClinVar variation 4816762 (VCV004816762.1).